The following is an entry in ClinVar:

ClinVar aggregate classification (germline): Uncertain significance (0 of 4 stars; one submission).

Conditions:
CACNA1D-related disorder.

gnomAD v4.1: 6 of 1,608,988 alleles (0.00037%); highest among the groups gnomAD compares: Non-Finnish European, 0.00051%; no homozygotes.

Submission:

PreventionGenetics, part of Exact Sciences
Classification: Uncertain significance for CACNA1D-related condition. Last evaluated: 2024-09-13. Review status: no assertion criteria provided. Collection method: clinical testing. Allele origin: germline.
Comment: The CACNA1D c.820A>G variant is predicted to result in the amino acid substitution p.Ile274Val. To our knowledge, this variant has not been reported in the literature or in a large population database, indicating this variant is rare. At this time, the clinical significance of this variant is uncertain due to the absence of conclusive functional and genetic evidence.

NM_001128840.3(CACNA1D):c.820A>G (p.Ile274Val)

Gene: CACNA1D (calcium voltage-gated channel subunit alpha1 D; plus strand). Cytogenetic location: 3p21.1.
Variant type: single nucleotide variant.
Coding change: c.820A>G on transcript NM_001128840.3 (MANE Select); coding-DNA position 820, A replaced by G.
Protein change: p.Ile274Val; replaces isoleucine 274 with valine.
Molecular consequence: missense variant.
Genome position (GRCh38, 1-based): chr3:53,665,713, A>G. VCF-style: chr3-53665713-A-G. GRCh37 (hg19) VCF-style: chr3-53699740-A-G.
Other names: c.820A>G, p.Ile274Val (NM_000720.4, NM_001128839.3); short protein forms I274V.
Identifiers: ClinVar variation 3355181 (VCV003355181.1).